The following is an entry in ClinVar:

NM_005993.5(TBCD):c.944C>T (p.Ala315Val)

Gene: TBCD (tubulin folding cofactor D). Cytogenetic location: 17q25.3.
Variant type: single nucleotide variant.
Coding change: c.944C>T on transcript NM_005993.5 (MANE Select); coding-DNA position 944, C replaced by T.
Protein change: p.Ala315Val; replaces alanine 315 with valine.
Molecular consequence: missense variant.
Genome position (GRCh38, 1-based): chr17:82,800,990, C>T. VCF-style: chr17-82800990-C-T. GRCh37 (hg19) VCF-style: chr17-80758866-C-T.
Other names: c.893C>T, p.Ala298Val (NM_001411101.1); c.944C>T, p.Ala315Val (NM_001411102.1); short protein forms A315V, A298V.
Identifiers: ClinVar variation 2824328 (VCV002824328.3), dbSNP rs2510814958, ClinGen allele CA401633770.
Genomic context (GRCh38, chr17:82,800,990, plus strand): 5'-AGCTGGGGGTGAAGCTTGTGCAGCGACTGGGGCTGACATTCCTGAAGCCGAAGGTGGCAG[C>T]ATGGAGGTAGGCACCATGAGGGCGGTGCCTGGGGAGGGCCACGGGGTGGGGAGGGGTTGC-3'
Protein context (NP_005984.3, residues 305-325): GLTFLKPKVA[Ala315Val]WRYQRGCRSL

ClinVar aggregate classification (germline): Uncertain significance (1 of 4 stars; one submission).

Allele frequency attached by ClinVar (database versions not stated): gnomAD exomes below 0.00001.
gnomAD v4.1: 1 of 1,597,880 alleles (0.000063%); highest among the groups gnomAD compares: Non-Finnish European, 0.000085%; no homozygotes.

Submission:

Labcorp Genetics (formerly Invitae), Labcorp
Classification: Uncertain significance. Last evaluated: 2022-12-26. Review status: criteria provided, single submitter. Criteria: Invitae Variant Classification Sherloc (09022015). Collection method: clinical testing. Allele origin: germline.
Comment: This sequence change replaces alanine, which is neutral and non-polar, with valine, which is neutral and non-polar, at codon 315 of the TBCD protein (p.Ala315Val). In summary, the available evidence is currently insufficient to determine the role of this variant in disease. Therefore, it has been classified as a Variant of Uncertain Significance. Algorithms developed to predict the effect of missense changes on protein structure and function (SIFT, PolyPhen-2, Align-GVGD) all suggest that this variant is likely to be tolerated. This variant has not been reported in the literature in individuals affected with TBCD-related conditions. This variant is not present in population databases (gnomAD no frequency).